The following is an entry in ClinVar:

ClinVar aggregate classification (germline): Likely benign. Review status: criteria provided, single submitter (1 of 4 stars). 2 submissions from 2 submitters: Likely benign (1). 1 of the submissions does not count toward it. Last evaluated 2025-08-21.

Conditions:
HGSNAT-related disorder. Also called: HGSNAT-related condition.
Inborn genetic diseases. Identifiers: MedGen C0950123, MeSH D030342.

gnomAD v4.1: 19 of 1,607,638 alleles (0.0012%); highest among the groups gnomAD compares: South Asian, 0.02%; 1 homozygote.

Submissions (2):

Ambry Genetics
Classification: Likely benign for Inborn genetic diseases. Last evaluated: 2025-08-21. Review status: criteria provided, single submitter. Criteria: Ambry Variant Classification Scheme 2023. Collection method: clinical testing. Allele origin: germline.

PreventionGenetics, part of Exact Sciences
Classification: Uncertain significance for HGSNAT-related condition. Last evaluated: 2024-09-18. Review status: no assertion criteria provided. Collection method: clinical testing. Allele origin: germline. Not counted in ClinVar's aggregate classification.
Comment: The HGSNAT c.1375G>A variant is predicted to result in the amino acid substitution p.Ala459Thr. To our knowledge, this variant has not been reported in the literature. This variant is reported in 0.017% of alleles in individuals of South Asian descent in gnomAD. At this time, the clinical significance of this variant is uncertain due to the absence of conclusive functional and genetic evidence.

NM_152419.3(HGSNAT):c.1375G>A (p.Ala459Thr)

Gene: HGSNAT (heparan-alpha-glucosaminide N-acetyltransferase; plus strand). Cytogenetic location: 8p11.21.
Variant type: single nucleotide variant.
Coding change: c.1375G>A on transcript NM_152419.3 (MANE Select); coding-DNA position 1375, G replaced by A.
Protein change: p.Ala459Thr; replaces alanine 459 with threonine.
Molecular consequence: missense variant.
Genome position (GRCh38, 1-based): chr8:43,192,428, G>A. VCF-style: chr8-43192428-G-A. GRCh37 (hg19) VCF-style: chr8-43047571-G-A.
Other names: c.1375G>A, p.Ala459Thr (NM_001363227.2); c.1183G>A, p.Ala395Thr (NM_001363228.2); c.511G>A, p.Ala171Thr (NM_001363229.2); short protein forms A171T, A395T, A459T.
Identifiers: ClinVar variation 3350315 (VCV003350315.2).